The following is an entry in ClinVar:

ClinVar aggregate classification (germline): Pathogenic (1 of 4 stars; one submission).

Conditions:
Long QT syndrome (LQTS). Identifiers: MedGen C0023976, MeSH D008133, MONDO:0002442. Disease mechanism: loss of function. Inheritance: Various modes of inheritance.

Submission:

Labcorp Genetics (formerly Invitae), Labcorp
Classification: Pathogenic for Long QT syndrome. Last evaluated: 2023-12-13. Review status: criteria provided, single submitter. Criteria: Invitae Variant Classification Sherloc (09022015). Collection method: clinical testing. Allele origin: germline.
Comment: This sequence change creates a premature translational stop signal (p.Phe720Leufs*3) in the KCNH2 gene. It is expected to result in an absent or disrupted protein product. Loss-of-function variants in KCNH2 are known to be pathogenic (PMID: 10973849, 19862833). This variant is not present in population databases (gnomAD no frequency). This variant has not been reported in the literature in individuals affected with KCNH2-related conditions. For these reasons, this variant has been classified as Pathogenic.

Literature cited by the submitters: PubMed 10973849; PubMed 19862833.

NM_000238.4(KCNH2):c.2156dup (p.Phe720fs)

Gene: KCNH2 (potassium voltage-gated channel subfamily H member 2; minus strand). Cytogenetic location: 7q36.1.
Variant type: Duplication.
Coding change: c.2156dup on transcript NM_000238.4 (MANE Select); coding-DNA position 2156, one base duplicated (G; older notation c.2156dupG).
Protein change: p.Phe720fs; shifts the reading frame from phenylalanine 720.
Molecular consequence: frameshift variant. On other transcripts: non-coding transcript variant (2).
Genome position (GRCh38, 1-based): chr7:150,950,410, C duplicated on the plus strand (G on the coding strand, the reverse complement: KCNH2 is on the minus strand); the first of 3 consecutive C bases (chr7:150,950,410-150,950,412); duplicating any one gives the same sequence. VCF-style (leftmost placement, unchanged base first): chr7-150950409-G-GC. GRCh37 (hg19) VCF-style: chr7-150647497-G-GC.
Other names: c.2156dup, p.Phe720fs (NM_172056.3); c.1136dup, p.Phe380fs (NM_172057.3, NM_001204798.2); c.1868dup, p.Phe624fs (NM_001406753.1, NM_001406756.1); c.1979dup, p.Phe661fs (NM_001406755.1); c.1856dup, p.Phe620fs (NM_001406757.1); short protein forms F661fs, F620fs, F624fs, F720fs, F380fs.
Identifiers: ClinVar variation 2698764 (VCV002698764.3), dbSNP rs2486027335, ClinGen allele CA2697557671.